The following is an entry in ClinVar:

NM_001372076.1(PAX9):c.271A>G (p.Lys91Glu)

Gene: PAX9 (paired box 9; plus strand). Cytogenetic location: 14q13.3.
Variant type: single nucleotide variant.
Coding change: c.271A>G on transcript NM_001372076.1 (MANE Select); coding-DNA position 271, A replaced by G.
Protein change: p.Lys91Glu; replaces lysine 91 with glutamic acid.
Molecular consequence: missense variant.
Genome position (GRCh38, 1-based): chr14:36,663,163, A>G. VCF-style: chr14-36663163-A-G. GRCh37 (hg19) VCF-style: chr14-37132368-A-G.
Other names: c.271A>G, p.Lys91Glu (NM_006194.4); short protein forms K91E.
Identifiers: ClinVar variation 13770 (VCV000013770.13), dbSNP rs28933373, ClinGen allele CA123443.

ClinVar aggregate classification (germline): Likely pathogenic. Review status: criteria provided, multiple submitters, no conflicts (2 of 4 stars). 4 submissions from 4 submitters: Likely pathogenic (3). 1 of the submissions does not count toward it. Last evaluated 2026-05-05.

Conditions:
PAX9-related disorder. Also called: PAX9-related condition.
Hypodontia. Also called: Partial congenital absence of teeth; Tooth agenesis, selective. Identifiers: Orphanet 99798, MedGen C0020608, MONDO:0005486, HP:0000668. Disease mechanism: loss of function.
Tooth agenesis, selective, 3 (STHAG3). Also called: HYPODONTIA/OLIGODONTIA 3. Identifiers: Orphanet 99798, MedGen C1970291, MONDO:0011477, OMIM 604625. Disease mechanism: loss of function.

Allele frequency attached by ClinVar (database versions not stated): gnomAD exomes below 0.00001; gnomAD 0.00001; TOPMed 0.00001.

Submissions (4):

PreventionGenetics, part of Exact Sciences
Classification: Likely pathogenic for PAX9-related condition. Last evaluated: 2026-05-05. Review status: criteria provided, single submitter. Criteria: ACMG Guidelines, 2015. Collection method: clinical testing. Allele origin: germline.
Comment: The PAX9 c.271A>G variant is predicted to result in the amino acid substitution p.Lys91Glu. This variant was reported in related individuals and shown to segregate with hypodontia of primarily molar teeth (Das et al. 2003. PubMed ID: 12605438). Functional studies suggest this variant results in a reduction of DNA-binding and decreased transactivation (Wang et al. 2009. PubMed ID: 19429910). This variant is reported in 0.00088% of alleles in individuals of European (Non-Finnish) descent in gnomAD. This variant is interpreted as likely pathogenic.

Labcorp Genetics (formerly Invitae), Labcorp
Classification: Likely pathogenic for Hypodontia. Last evaluated: 2026-01-27. Review status: criteria provided, single submitter. Criteria: Invitae Variant Classification Sherloc (09022015). Collection method: clinical testing. Allele origin: germline.
Comment: This sequence change replaces lysine, which is basic and polar, with glutamic acid, which is acidic and polar, at codon 91 of the PAX9 protein (p.Lys91Glu). This variant is present in population databases (rs28933373, gnomAD 0.0009%). This missense change has been observed in individual(s) with hypodontia (PMID: 12605438). It has also been observed to segregate with disease in related individuals. ClinVar contains an entry for this variant (Variation ID: 13770). Invitae Evidence Modeling of protein sequence and biophysical properties (such as structural, functional, and spatial information, amino acid conservation, physicochemical variation, residue mobility, and thermodynamic stability) indicates that this missense variant is expected to disrupt PAX9 protein function with a positive predictive value of 80%. Experimental studies have shown that this missense change does not substantially affect PAX9 function (PMID: 19429910). In summary, the currently available evidence indicates that the variant is pathogenic, but additional data are needed to prove that conclusively. Therefore, this variant has been classified as Likely Pathogenic.

GeneDx
Classification: Likely pathogenic. Last evaluated: 2024-06-18. Review status: criteria provided, single submitter. Criteria: GeneDx Variant Classification Process June 2021. Collection method: clinical testing. Allele origin: germline. Affected: yes.
Comment: Published functional studies demonstrate a damaging effect, specifically, the variant results in reduced transactivation activity in a luciferase assay (PMID: 19429910); In silico analysis supports that this missense variant has a deleterious effect on protein structure/function; This variant is associated with the following publications: (PMID: 12605438, 36702222, 19429910)

OMIM
Classification: Pathogenic for TOOTH AGENESIS, SELECTIVE, 3. Last evaluated: 2009-08-01. Review status: no assertion criteria provided. Collection method: literature only. Allele origin: germline. Not counted in ClinVar's aggregate classification.

Literature cited by the submitters: PubMed 12605438 (cited by Labcorp Genetics (formerly Invitae), Labcorp and OMIM); PubMed 19429910 (cited by Labcorp Genetics (formerly Invitae), Labcorp and OMIM).